The following is an entry in ClinVar:

NM_001378454.1(ALMS1):c.7541-163A>G

Gene: ALMS1 (ALMS1 centrosome and basal body associated protein; plus strand). Cytogenetic location: 2p13.1.
Variant type: single nucleotide variant.
Coding change: c.7541-163A>G on transcript NM_001378454.1 (MANE Select); 163 bases into the intron before coding-DNA position 7541, A replaced by G.
Molecular consequence: intron variant.
Genome position (GRCh38, 1-based): chr2:73,454,999, A>G. VCF-style: chr2-73454999-A-G. GRCh37 (hg19) VCF-style: chr2-73682126-A-G.
Other names: c.7541-163A>G (NM_015120.4); c.7544-163A>G (NM_015120.4).
Identifiers: ClinVar variation 679483 (VCV000679483.1), dbSNP rs76317790, ClinGen allele CA50399567.

ClinVar aggregate classification (germline): Benign (1 of 4 stars; one submission).

Allele frequency attached by ClinVar (database versions not stated): gnomAD 0.01671 and 0.01787; TOPMed 0.01841; 1000 Genomes Project 0.01997; 1000 Genomes Project 30x 0.02139.
gnomAD v4.1: 2,514 of 152,306 alleles (1.7%); highest among the groups gnomAD compares: African/African-American, 5.7%; 70 homozygotes.

Submission:

GeneDx
Classification: Benign. Last evaluated: 2018-06-19. Review status: criteria provided, single submitter. Criteria: GeneDx Variant Classification (06012015). Collection method: clinical testing. Allele origin: germline. Affected: yes.
Comment: This variant is considered likely benign or benign based on one or more of the following criteria: it is a conservative change, it occurs at a poorly conserved position in the protein, it is predicted to be benign by multiple in silico algorithms, and/or has population frequency not consistent with disease.